The following is an entry in ClinVar:

NM_006329.4(FBLN5):c.929G>C (p.Gly310Ala)

Gene: FBLN5 (fibulin 5; minus strand). Cytogenetic location: 14q32.12.
Variant type: single nucleotide variant.
Coding change: c.929G>C on transcript NM_006329.4 (MANE Select); coding-DNA position 929, G replaced by C.
Protein change: p.Gly310Ala; replaces glycine 310 with alanine.
Molecular consequence: missense variant.
Genome position (GRCh38, 1-based): chr14:91,881,352, C>G on the plus strand (G>C on the coding strand, the complement: FBLN5 is on the minus strand). VCF-style: chr14-91881352-C-G. GRCh37 (hg19) VCF-style: chr14-92347696-C-G.
Other names: c.1052G>C, p.Gly351Ala (NM_001384158.1); c.980G>C, p.Gly327Ala (NM_001384159.1); c.929G>C, p.Gly310Ala (NM_001384160.1); c.761G>C, p.Gly254Ala (NM_001384161.1, NM_001384162.1); short protein forms G254A, G327A, G351A, G310A.
Identifiers: ClinVar variation 2839470 (VCV002839470.3), dbSNP rs754900026, ClinGen allele CA7312691.
Genomic context (GRCh38, chr14:91,881,352, plus strand): 5'-TTATCACTGATCCTCAGATAAGGCTCCTCACAGCGGATGGGGTCAATGCATTTGAAGCCC[C>G]CTTGTAAATTGTAGCACGTCTGCTGCAGGTTGCACGTGTGGTTCCTGTGCTCACATTCGT-3'
Protein context (NP_006320.2, residues 300-320): NLQQTCYNLQ[Gly310Ala]GFKCIDPIRC

ClinVar aggregate classification (germline): Uncertain significance (1 of 4 stars; one submission).

Allele frequency attached by ClinVar (database versions not stated): gnomAD 0.00001; ExAC 0.00001; gnomAD exomes below 0.00001; TOPMed 0.00001.
gnomAD v4.1: 3 of 1,614,032 alleles (0.00019%); highest among the groups gnomAD compares: Non-Finnish European, 0.00025%; no homozygotes.

Submission:

Labcorp Genetics (formerly Invitae), Labcorp
Classification: Uncertain significance. Last evaluated: 2025-10-26. Review status: criteria provided, single submitter. Criteria: Invitae Variant Classification Sherloc (09022015). Collection method: clinical testing. Allele origin: germline.
Comment: This sequence change replaces glycine, which is neutral and non-polar, with alanine, which is neutral and non-polar, at codon 310 of the FBLN5 protein (p.Gly310Ala). This variant is present in population databases (rs754900026, gnomAD 0.002%). This variant has not been reported in the literature in individuals affected with FBLN5-related conditions. ClinVar contains an entry for this variant (Variation ID: 2839470). Invitae Evidence Modeling of protein sequence and biophysical properties (such as structural, functional, and spatial information, amino acid conservation, physicochemical variation, residue mobility, and thermodynamic stability) indicates that this missense variant is expected to disrupt FBLN5 protein function with a positive predictive value of 80%. In summary, the available evidence is currently insufficient to determine the role of this variant in disease. Therefore, it has been classified as a Variant of Uncertain Significance.